The following is an entry in ClinVar:

NM_001378454.1(ALMS1):c.9375C>T (p.Phe3125=)

Gene: ALMS1 (ALMS1 centrosome and basal body associated protein; plus strand). Cytogenetic location: 2p13.1.
Variant type: single nucleotide variant.
Coding change: c.9375C>T on transcript NM_001378454.1 (MANE Select); coding-DNA position 9375, C replaced by T.
Protein change: p.Phe3125=; no amino-acid change (phenylalanine 3125 retained).
Molecular consequence: synonymous variant.
Genome position (GRCh38, 1-based): chr2:73,491,334, C>T. VCF-style: chr2-73491334-C-T. GRCh37 (hg19) VCF-style: chr2-73718461-C-T.
Other names: c.9378C>T, p.Phe3126= (NM_015120.4).
Identifiers: ClinVar variation 1114182 (VCV001114182.13), dbSNP rs753655534, ClinGen allele CA1714646.

ClinVar aggregate classification (germline): Likely benign. Review status: criteria provided, multiple submitters, no conflicts (2 of 4 stars). 4 submissions from 4 submitters: Likely benign (4). Last evaluated 2025-12-09.

Conditions:
Cardiovascular phenotype. Identifiers: MedGen CN230736.
ALMS1-related disorder. Also called: ALMS1-related condition.
Alstrom syndrome (ALMS). Identifiers: Orphanet 64, MedGen C0268425, MONDO:0008763, OMIM 203800.

Allele frequency attached by ClinVar (database versions not stated): TOPMed below 0.00001; gnomAD 0.00001; gnomAD exomes 0.00001 and 0.00002; ExAC 0.00002.
gnomAD v4.1: 18 of 1,614,066 alleles (0.0011%); highest among the groups gnomAD compares: Middle Eastern, 0.016%; no homozygotes.

Submissions (4):

Labcorp Genetics (formerly Invitae), Labcorp
Classification: Likely benign for Alstrom syndrome. Last evaluated: 2025-12-09. Review status: criteria provided, single submitter. Criteria: Invitae Variant Classification Sherloc (09022015). Collection method: clinical testing. Allele origin: germline.

PreventionGenetics, part of Exact Sciences
Classification: Likely benign for ALMS1-related condition. Last evaluated: 2025-02-05. Review status: criteria provided, single submitter. Criteria: ACMG Guidelines, 2015. Collection method: clinical testing. Allele origin: germline.
Comment: This variant is classified as likely benign based on ACMG/AMP sequence variant interpretation guidelines (Richards et al. 2015 PMID: 25741868, with internal and published modifications).

Blueprint Genetics
Classification: Likely benign. Last evaluated: 2022-10-06. Review status: criteria provided, single submitter. Criteria: ACMG Guidelines, 2015. Collection method: clinical testing. Allele origin: germline.

Ambry Genetics
Classification: Likely benign for Cardiovascular phenotype. Last evaluated: 2022-02-14. Review status: criteria provided, single submitter. Criteria: Ambry Variant Classification Scheme 2023. Collection method: clinical testing. Allele origin: germline.